The following is an entry in ClinVar:

ClinVar aggregate classification (germline): Conflicting classifications of pathogenicity. Review status: criteria provided, conflicting classifications (1 of 4 stars). 3 submissions from 3 submitters: Uncertain significance (1); Likely benign (1). 1 of the submissions does not count toward it. Last evaluated 2026-01-27.

Conditions:
POLE-related disorder. Also called: POLE-related disorders; POLE-related condition.

Allele frequency attached by ClinVar (database versions not stated): gnomAD 0.00005 and 0.00006; ESP Exome Variant Server 0.00008; gnomAD exomes 0.00002 and 0.00003; TOPMed 0.00002; ExAC 0.00004.
gnomAD v4.1: 31 of 1,607,946 alleles (0.0019%); highest among the groups gnomAD compares: African/African-American, 0.0027%; no homozygotes.

Submissions (3):

Labcorp Genetics (formerly Invitae), Labcorp
Classification: Likely benign. Last evaluated: 2026-01-27. Review status: criteria provided, single submitter. Criteria: Invitae Variant Classification Sherloc (09022015). Collection method: clinical testing. Allele origin: germline.

GeneDx
Classification: Uncertain significance. Last evaluated: 2018-04-13. Review status: criteria provided, single submitter. Criteria: GeneDx Variant Classification (06012015). Collection method: clinical testing. Allele origin: germline. Affected: yes.
Comment: This variant is denoted POLE c.1106+20A>G or IVS11+20A>G and consists of a A>G nucleotide substitution at the +20 position of intron 11 of the POLE gene. Multiple splicing models predict that this variant may create a cryptic splice donor site and lead to abnormal splicing. However, in the absence of RNA or functional studies, the actual effect of this variant is unknown. This variant has not, to our knowledge, been published in the literature as pathogenic or benign. POLE c.1106+20A>G was observed at an allele frequency of 0.01% (1/10,402) in individuals of African ancestry in large population cohorts (NHLBI Exome Sequencing Project, The 1000 Genomes Consortium 2015, Lek 2016). The adenine (A) nucleotide that is altered is not conserved across species. Based on currently available evidence, it is unclear whether POLE c.1106+20A>G is a pathogenic or benign variant. We consider it to be a variant of uncertain significance.

PreventionGenetics, part of Exact Sciences
Classification: Likely benign for POLE-related condition. Last evaluated: 2024-09-09. Review status: no assertion criteria provided. Collection method: clinical testing. Allele origin: germline. Not counted in ClinVar's aggregate classification.
Comment: This variant is classified as likely benign based on ACMG/AMP sequence variant interpretation guidelines (Richards et al. 2015 PMID: 25741868, with internal and published modifications).

NM_006231.4(POLE):c.1106+20A>G

Gene: POLE (DNA polymerase epsilon, catalytic subunit; minus strand). Cytogenetic location: 12q24.33.
Variant type: single nucleotide variant.
Coding change: c.1106+20A>G on transcript NM_006231.4 (MANE Select); 20 bases into the intron after coding-DNA position 1106, A replaced by G.
Molecular consequence: intron variant.
Genome position (GRCh38, 1-based): chr12:132,675,715, T>C on the plus strand (A>G on the coding strand, the complement: POLE is on the minus strand). VCF-style: chr12-132675715-T-C. GRCh37 (hg19) VCF-style: chr12-133252301-T-C.
Identifiers: ClinVar variation 420548 (VCV000420548.9), dbSNP rs200322118, ClinGen allele CA6894083.